The following is an entry in ClinVar:

ClinVar aggregate classification (germline): Likely benign. Review status: criteria provided, multiple submitters, no conflicts (2 of 4 stars). 2 submissions from 2 submitters: Likely benign (2). Last evaluated 2023-09-01.

Allele frequency attached by ClinVar (database versions not stated): gnomAD 0.00001; gnomAD exomes 0.00001; ExAC 0.00002.
gnomAD v4.1: 8 of 1,614,042 alleles (0.0005%); highest among the groups gnomAD compares: Admixed American, 0.012%; no homozygotes.

Submissions (2):

CeGaT Center for Human Genetics Tuebingen
Classification: Likely benign. Last evaluated: 2023-09-01. Review status: criteria provided, single submitter. Criteria: CeGaT Center For Human Genetics Tuebingen Variant Classification Criteria Version 2. Collection method: clinical testing. Allele origin: germline. Affected: yes. Observed: 1 variant allele.
Comment: HIVEP2: BS2

Labcorp Genetics (formerly Invitae), Labcorp
Classification: Likely benign. Last evaluated: 2022-02-18. Review status: criteria provided, single submitter. Criteria: Invitae Variant Classification Sherloc (09022015). Collection method: clinical testing. Allele origin: germline.

NM_006734.4(HIVEP2):c.1436T>C (p.Ile479Thr)

Gene: HIVEP2 (HIVEP zinc finger 2; minus strand). Cytogenetic location: 6q24.2.
Variant type: single nucleotide variant.
Coding change: c.1436T>C on transcript NM_006734.4 (MANE Select); coding-DNA position 1436, T replaced by C.
Protein change: p.Ile479Thr; replaces isoleucine 479 with threonine.
Molecular consequence: missense variant.
Genome position (GRCh38, 1-based): chr6:142,773,303, A>G on the plus strand (T>C on the coding strand, the complement: HIVEP2 is on the minus strand). VCF-style: chr6-142773303-A-G. GRCh37 (hg19) VCF-style: chr6-143094440-A-G.
Other names: short protein forms I479T.
Identifiers: ClinVar variation 2098368 (VCV002098368.28), dbSNP rs770913740, ClinGen allele CA4028601.
Genomic context (GRCh38, chr6:142,773,303, plus strand): 5'-TTGAACTTAGTGGATTTCAGCATGCTCGTTTGACTGGGGTCGACATCTCCCTTGCTTGGG[A>G]TCAGCTGTGAAACAGGATCTTCAAACATCTTGACATCTAACCTGGTGTTAACGTGAGGTA-3'
Protein context (NP_006725.3, residues 469-489): KMFEDPVSQL[Ile479Thr]PSKGDVDPSQ